The following is an entry in ClinVar:

ClinVar aggregate classification (germline): Uncertain significance (1 of 4 stars; one submission).

Conditions:
Familial thoracic aortic aneurysm and aortic dissection (TAAD). Also called: Thoracic aortic aneurysms and dissections. Identifiers: Orphanet 91387, MedGen C4707243, MONDO:0019625.

Submission:

Labcorp Genetics (formerly Invitae), Labcorp
Classification: Uncertain significance for Familial thoracic aortic aneurysm and aortic dissection. Last evaluated: 2025-10-06. Review status: criteria provided, single submitter. Criteria: Invitae Variant Classification Sherloc (09022015). Collection method: clinical testing. Allele origin: germline.
Comment: This sequence change replaces asparagine, which is neutral and polar, with lysine, which is basic and polar, at codon 278 of the SMAD3 protein (p.Asn278Lys). This variant is not present in population databases (gnomAD no frequency). This variant has not been reported in the literature in individuals affected with SMAD3-related conditions. Invitae Evidence Modeling of protein sequence and biophysical properties (such as structural, functional, and spatial information, amino acid conservation, physicochemical variation, residue mobility, and thermodynamic stability) indicates that this missense variant is not expected to disrupt SMAD3 protein function with a negative predictive value of 80%. In summary, the available evidence is currently insufficient to determine the role of this variant in disease. Therefore, it has been classified as a Variant of Uncertain Significance.

NM_005902.4(SMAD3):c.834C>G (p.Asn278Lys)

Gene: SMAD3 (SMAD family member 3; plus strand). Cytogenetic location: 15q22.33.
Variant type: single nucleotide variant.
Coding change: c.834C>G on transcript NM_005902.4 (MANE Select); coding-DNA position 834, C replaced by G.
Protein change: p.Asn278Lys; replaces asparagine 278 with lysine.
Molecular consequence: missense variant.
Genome position (GRCh38, 1-based): chr15:67,181,416, C>G. VCF-style: chr15-67181416-C-G. GRCh37 (hg19) VCF-style: chr15-67473754-C-G.
Other names: c.519C>G, p.Asn173Lys (NM_001145102.2, NM_001407016.1); c.702C>G, p.Asn234Lys (NM_001145103.2, NM_001407012.1); c.249C>G, p.Asn83Lys (NM_001145104.2, NM_001407017.1); c.834C>G, p.Asn278Lys (NM_001407011.1, NM_001407013.1); c.687C>G, p.Asn229Lys (NM_001407014.1); c.387C>G, p.Asn129Lys (NM_001407015.1); short protein forms N229K, N83K, N173K, N234K, N278K, N129K.
Identifiers: ClinVar variation 4744975 (VCV004744975.1).